The following is an entry in ClinVar:

NM_000257.4(MYH7):c.3346G>C (p.Glu1116Gln)

Gene: MYH7 (myosin heavy chain 7; minus strand). Cytogenetic location: 14q11.2.
Variant type: single nucleotide variant.
Coding change: c.3346G>C on transcript NM_000257.4 (MANE Select); coding-DNA position 3346, G replaced by C.
Protein change: p.Glu1116Gln; replaces glutamic acid 1116 with glutamine.
Molecular consequence: missense variant.
Genome position (GRCh38, 1-based): chr14:23,420,225, C>G on the plus strand (G>C on the coding strand, the complement: MYH7 is on the minus strand). VCF-style: chr14-23420225-C-G. GRCh37 (hg19) VCF-style: chr14-23889434-C-G.
Other names: c.3346G>C, p.Glu1116Gln (NM_001407004.1); short protein forms E1116Q.
Identifiers: ClinVar variation 1946175 (VCV001946175.5), dbSNP rs727504274, ClinGen allele CA257815839.

ClinVar aggregate classification (germline): Uncertain significance. Review status: criteria provided, multiple submitters, no conflicts (2 of 4 stars). 2 submissions from 2 submitters: Uncertain significance (2). Last evaluated 2025-07-11.

Conditions:
Cardiomyopathy (CMYO). Also called: Cardiomyopathies. Identifiers: Orphanet 167848, MedGen C0878544, MONDO:0004994, HP:0001638. Inheritance: Various modes of inheritance.
Hypertrophic cardiomyopathy. Also called: HYPERTROPHIC MYOCARDIOPATHY. Identifiers: Orphanet 217569, MedGen C0007194, MeSH D002312, MONDO:0005045, HP:0001639.

Allele frequency attached by ClinVar (database versions not stated): gnomAD exomes below 0.00001.
gnomAD v4.1: 2 of 1,609,218 alleles (0.00012%); highest among the groups gnomAD compares: African/African-American, 0.0013%; no homozygotes.

Submissions (2):

Color Diagnostics, LLC DBA Color Health
Classification: Uncertain significance for Cardiomyopathy. Last evaluated: 2025-07-11. Review status: criteria provided, single submitter. Criteria: ACMG Guidelines, 2015. Collection method: clinical testing. Allele origin: germline.
Comment: This missense variant replaces glutamic acid with glutamine at codon 1116 of the MYH7 protein. Computational prediction is inconclusive regarding the impact of this variant on protein structure and function. To our knowledge, functional studies have not been reported for this variant. This variant has not been reported in individuals affected with MYH7-related disorders in the literature. This variant has been identified in 1/244190 chromosomes in the general population by the Genome Aggregation Database (gnomAD). A different variant affecting the same codon, p.Glu1116Lys, is considered to be disease-causing (ClinVar variation ID: 177676), suggesting that glutamic acid at this position is important for MYH7 protein function. The available evidence is insufficient to determine the role of this variant in disease conclusively. Therefore, this variant is classified as a Variant of Uncertain Significance.

Labcorp Genetics (formerly Invitae), Labcorp
Classification: Uncertain significance for Hypertrophic cardiomyopathy. Last evaluated: 2022-02-19. Review status: criteria provided, single submitter. Criteria: Invitae Variant Classification Sherloc (09022015). Collection method: clinical testing. Allele origin: germline.
Comment: In summary, the available evidence is currently insufficient to determine the role of this variant in disease. Therefore, it has been classified as a Variant of Uncertain Significance. This sequence change replaces glutamic acid, which is acidic and polar, with glutamine, which is neutral and polar, at codon 1116 of the MYH7 protein (p.Glu1116Gln). This variant is not present in population databases (gnomAD no frequency). This variant has not been reported in the literature in individuals affected with MYH7-related conditions. Algorithms developed to predict the effect of missense changes on protein structure and function are either unavailable or do not agree on the potential impact of this missense change (SIFT: "Deleterious"; PolyPhen-2: "Probably Damaging"; Align-GVGD: "Class C0"). Algorithms developed to predict the effect of sequence changes on RNA splicing suggest that this variant may create or strengthen a splice site.